The following is an entry in ClinVar:

NM_014516.4(CNOT3):c.286C>T (p.Arg96Ter)

Gene: CNOT3 (CCR4-NOT transcription complex subunit 3; plus strand). Cytogenetic location: 19q13.42.
Variant type: single nucleotide variant.
Coding change: c.286C>T on transcript NM_014516.4 (MANE Select); coding-DNA position 286, C replaced by T.
Protein change: p.Arg96Ter; replaces arginine 96 with a stop codon.
Molecular consequence: nonsense.
Genome position (GRCh38, 1-based): chr19:54,144,033, C>T. VCF-style: chr19-54144033-C-T. GRCh37 (hg19) VCF-style: chr19-54647769-C-T.
Other names: c.286C>T (NM_014516.3); short protein forms R96*.
Identifiers: ClinVar variation 3387823 (VCV003387823.4).
Genomic context (GRCh38, chr19:54,144,033, plus strand): 5'-TGAGAGCCCCCCTGCCAACTGCACTCTCTACAGCAAATGGAACGGTTCAAAGTTGTGGAA[C>T]GAGAGACCAAAACCAAAGCTTACAGCAAAGAGGGCCTGGGCCTGGCCCAGAAGGTAGATC-3'

ClinVar aggregate classification (germline): Pathogenic/Likely pathogenic. Review status: criteria provided, multiple submitters, no conflicts (2 of 4 stars). 3 submissions from 3 submitters: Pathogenic (2); Likely pathogenic (1). Last evaluated 2025-04-29.

Conditions:
Intellectual developmental disorder with speech delay, autism, and dysmorphic facies. Identifiers: MedGen C5231456, MONDO:0032864, OMIM 618672.

Submissions (3):

GeneDx
Classification: Pathogenic. Last evaluated: 2025-04-29. Review status: criteria provided, single submitter. Criteria: GeneDx Variant Classification Process June 2021. Collection method: clinical testing. Allele origin: germline. Affected: yes.
Comment: Nonsense variant predicted to result in protein truncation or nonsense mediated decay in a gene for which loss of function is a known mechanism of disease; Not observed at significant frequency in large population cohorts (gnomAD); This variant is associated with the following publications: (PMID: 37003183)

Institute of Human Genetics, University of Leipzig Medical Center
Classification: Pathogenic for Intellectual developmental disorder with speech delay, autism, and dysmorphic facies. Last evaluated: 2024-12-18. Review status: criteria provided, single submitter. Criteria: ACMG Guidelines, 2015. Collection method: clinical testing. Allele origin: unknown. Inheritance: Autosomal dominant inheritance. Affected: yes.
Comment: Criteria applied: PVS1,PM2

Cytogenetique et Genetique Moleculaire, CHU Besancon
Classification: Likely pathogenic for Intellectual developmental disorder with speech delay, autism, and dysmorphic facies. Last evaluated: 2023-08-13. Review status: criteria provided, single submitter. Criteria: ACMG Guidelines, 2015. Collection method: clinical testing. Allele origin: germline. Affected: yes.
Comment: The NM_014516.4:c.286C>T variant is an nonsense variant in CNOT3 which is predicted to result in a premature stop codon at position 96, and likely results in an absent or disrupted protein product (PVS1). Another proband with a clinical diagnosis of CNOT3-related disorder carry the same variant (PMID 37003183). This variant is not present in gnomAD (PM2; v4.1.0). In summary, this variant meets criteria to be classified as probably pathogenic for CNOT3-related neurodevelopmental disorders based on the ACMG/AMP criteria applied (PVS1 PM2).

Literature cited by the submitters: PubMed 37003183 (cited by Cytogenetique et Genetique Moleculaire, CHU Besancon).